The following is an entry in ClinVar:

ClinVar aggregate classification (germline): Uncertain significance (1 of 4 stars; one submission).

gnomAD v4.1: 5 of 1,612,420 alleles (0.00031%); highest among the groups gnomAD compares: African/African-American, 0.0053%; no homozygotes.

Submission:

GeneDx
Classification: Uncertain significance. Last evaluated: 2024-12-02. Review status: criteria provided, single submitter. Criteria: GeneDx Variant Classification Process June 2021. Collection method: clinical testing. Allele origin: germline. Affected: yes.
Comment: In silico analysis indicates that this variant does not alter splicing; Has not been previously published as pathogenic or benign to our knowledge

NM_005247.4(FGF3):c.324G>C (p.Ser108=)

Gene: FGF3 (fibroblast growth factor 3; minus strand). Cytogenetic location: 11q13.3.
Variant type: single nucleotide variant.
Coding change: c.324G>C on transcript NM_005247.4 (MANE Select); coding-DNA position 324, G replaced by C.
Protein change: p.Ser108=; no amino-acid change (serine 108 retained).
Molecular consequence: synonymous variant.
Genome position (GRCh38, 1-based): chr11:69,816,320, C>G on the plus strand (G>C on the coding strand, the complement: FGF3 is on the minus strand). VCF-style: chr11-69816320-C-G. GRCh37 (hg19) VCF-style: chr11-69631088-C-G.
Identifiers: ClinVar variation 3900895 (VCV003900895.1).